The following is an entry in ClinVar:

NM_003060.4(SLC22A5):c.1588A>G (p.Met530Val)

Gene: SLC22A5 (solute carrier family 22 member 5; plus strand). Cytogenetic location: 5q31.1.
Variant type: single nucleotide variant.
Coding change: c.1588A>G on transcript NM_003060.4 (MANE Select); coding-DNA position 1588, A replaced by G.
Protein change: p.Met530Val; replaces methionine 530 with valine.
Molecular consequence: missense variant.
Genome position (GRCh38, 1-based): chr5:132,394,186, A>G. VCF-style: chr5-132394186-A-G. GRCh37 (hg19) VCF-style: chr5-131729878-A-G.
Other names: c.1660A>G, p.Met554Val (NM_001308122.2); short protein forms M530V, M554V.
Identifiers: ClinVar variation 2172029 (VCV002172029.1), dbSNP rs11568524, ClinGen allele CA3404218.

ClinVar aggregate classification (germline): Uncertain significance (1 of 4 stars; one submission).

Conditions:
Renal carnitine transport defect (CDSP). Also called: Systemic primary carnitine deficiency; CARNITINE DEFICIENCY, SYSTEMIC, DUE TO DEFECT IN RENAL REABSORPTION OF CARNITINE; CARNITINE TRANSPORTER, PLASMA-MEMBRANE, DEFICIENCY OF; CARNITINE UPTAKE DEFECT; Primary carnitine deficiency; Carnitine Deficiency, Systemic. Identifiers: Orphanet 158, MedGen C0342788, MONDO:0008919, OMIM 212140.

Allele frequency attached by ClinVar (database versions not stated): TOPMed below 0.00001; gnomAD 0.00001; gnomAD exomes 0.00001; ExAC 0.00003.
gnomAD v4.1: 17 of 1,609,136 alleles (0.0011%); highest among the groups gnomAD compares: East Asian, 0.018%; no homozygotes.

Submission:

Labcorp Genetics (formerly Invitae), Labcorp
Classification: Uncertain significance for Renal carnitine transport defect. Last evaluated: 2022-09-27. Review status: criteria provided, single submitter. Criteria: Invitae Variant Classification Sherloc (09022015). Collection method: clinical testing. Allele origin: germline.
Comment: This sequence change replaces methionine, which is neutral and non-polar, with valine, which is neutral and non-polar, at codon 530 of the SLC22A5 protein (p.Met530Val). This variant is present in population databases (rs11568524, gnomAD 0.05%). This variant has not been reported in the literature in individuals affected with SLC22A5-related conditions. Algorithms developed to predict the effect of missense changes on protein structure and function (SIFT, PolyPhen-2, Align-GVGD) all suggest that this variant is likely to be tolerated. Experimental studies have shown that this missense change does not substantially affect SLC22A5 function (PMID: 18337137). In summary, the available evidence is currently insufficient to determine the role of this variant in disease. Therefore, it has been classified as a Variant of Uncertain Significance.

Literature cited by the submitters: PubMed 18337137.